The following is an entry in ClinVar:

NM_003803.4(MYOM1):c.2069T>C (p.Leu690Pro)

Gene: MYOM1 (myomesin 1; minus strand). Cytogenetic location: 18p11.31.
Variant type: single nucleotide variant.
Coding change: c.2069T>C on transcript NM_003803.4 (MANE Select); coding-DNA position 2069, T replaced by C.
Protein change: p.Leu690Pro; replaces leucine 690 with proline.
Molecular consequence: missense variant.
Genome position (GRCh38, 1-based): chr18:3,135,687, A>G on the plus strand (T>C on the coding strand, the complement: MYOM1 is on the minus strand). VCF-style: chr18-3135687-A-G. GRCh37 (hg19) VCF-style: chr18-3135685-A-G.
Other names: c.2069T>C, p.Leu690Pro (NM_019856.2); short protein forms L690P.
Identifiers: ClinVar variation 1384525 (VCV001384525.9), dbSNP rs533974334, ClinGen allele CA8874751.

ClinVar aggregate classification (germline): Uncertain significance. Review status: criteria provided, multiple submitters, no conflicts (2 of 4 stars). 2 submissions from 2 submitters: Uncertain significance (2). Last evaluated 2025-07-24.

Conditions:
Hypertrophic cardiomyopathy. Also called: HYPERTROPHIC MYOCARDIOPATHY. Identifiers: Orphanet 217569, MedGen C0007194, MeSH D002312, MONDO:0005045, HP:0001639.

Allele frequency attached by ClinVar (database versions not stated): TOPMed below 0.00001; gnomAD 0.00001; 1000 Genomes Project 30x 0.00016; 1000 Genomes Project 0.00020.
gnomAD v4.1: 9 of 1,613,880 alleles (0.00056%); highest among the groups gnomAD compares: South Asian, 0.0011%; no homozygotes.

Submissions (2):

Ambry Genetics
Classification: Uncertain significance. Last evaluated: 2025-07-24. Review status: criteria provided, single submitter. Criteria: Ambry Variant Classification Scheme 2023. Collection method: clinical testing. Allele origin: germline.
Comment: The p.L690P variant (also known as c.2069T>C), located in coding exon 14 of the MYOM1 gene, results from a T to C substitution at nucleotide position 2069. The leucine at codon 690 is replaced by proline, an amino acid with similar properties. This amino acid position is conserved. In addition, this alteration is predicted to be tolerated by in silico analysis. Since supporting evidence is limited at this time, the clinical significance of this alteration remains unclear.

Labcorp Genetics (formerly Invitae), Labcorp
Classification: Uncertain significance for Hypertrophic cardiomyopathy. Last evaluated: 2021-08-14. Review status: criteria provided, single submitter. Criteria: Invitae Variant Classification Sherloc (09022015). Collection method: clinical testing. Allele origin: germline.
Comment: In summary, the available evidence is currently insufficient to determine the role of this variant in disease. Therefore, it has been classified as a Variant of Uncertain Significance. Algorithms developed to predict the effect of missense changes on protein structure and function are either unavailable or do not agree on the potential impact of this missense change (SIFT: "Deleterious"; PolyPhen-2: "Probably Damaging"; Align-GVGD: "Class C0"). This variant has not been reported in the literature in individuals affected with MYOM1-related conditions. This variant is present in population databases (rs533974334, ExAC 0.002%). This sequence change replaces leucine with proline at codon 690 of the MYOM1 protein (p.Leu690Pro). The leucine residue is weakly conserved and there is a moderate physicochemical difference between leucine and proline.